The following is an entry in ClinVar:

ClinVar aggregate classification (germline): Uncertain significance. Review status: criteria provided, multiple submitters, no conflicts (2 of 4 stars). 4 submissions from 4 submitters: Uncertain significance (4). Last evaluated 2024-02-07.

Conditions:
Inborn genetic diseases. Identifiers: MedGen C0950123, MeSH D030342.
Developmental and epileptic encephalopathy, 18 (DEE18). Also called: Early infantile epileptic encephalopathy 18. Identifiers: Orphanet 369894, MedGen C3809624, MONDO:0014201, OMIM 615476.

Allele frequency attached by ClinVar (database versions not stated): gnomAD 0.00003; TOPMed 0.00005; ESP Exome Variant Server 0.00008.
gnomAD v4.1: 63 of 1,609,746 alleles (0.0039%); highest among the groups gnomAD compares: Non-Finnish European, 0.0048%; no homozygotes.

Submissions (4):

GeneDx
Classification: Uncertain significance. Last evaluated: 2024-02-07. Review status: criteria provided, single submitter. Criteria: GeneDx Variant Classification Process June 2021. Collection method: clinical testing. Allele origin: germline. Affected: yes.
Comment: Not observed at significant frequency in large population cohorts (gnomAD); In silico analysis supports that this missense variant does not alter protein structure/function; Has not been previously published as pathogenic or benign to our knowledge

Genome-Nilou Lab
Classification: Uncertain significance for Developmental and epileptic encephalopathy, 18. Last evaluated: 2023-04-11. Review status: criteria provided, single submitter. Criteria: ACMG Guidelines, 2015. Collection method: clinical testing. Allele origin: germline. Affected: no.

Ambry Genetics
Classification: Uncertain significance for Inborn genetic diseases. Last evaluated: 2023-03-01. Review status: criteria provided, single submitter. Criteria: Ambry Variant Classification Scheme 2023. Collection method: clinical testing. Allele origin: germline.

Labcorp Genetics (formerly Invitae), Labcorp
Classification: Uncertain significance. Last evaluated: 2022-02-10. Review status: criteria provided, single submitter. Criteria: Invitae Variant Classification Sherloc (09022015). Collection method: clinical testing. Allele origin: germline.
Comment: This sequence change replaces arginine, which is basic and polar, with histidine, which is basic and polar, at codon 3154 of the SZT2 protein (p.Arg3154His). This variant is present in population databases (rs374492072, gnomAD 0.008%). This variant has not been reported in the literature in individuals affected with SZT2-related conditions. ClinVar contains an entry for this variant (Variation ID: 657121). Algorithms developed to predict the effect of missense changes on protein structure and function are either unavailable or do not agree on the potential impact of this missense change (SIFT: "Tolerated"; PolyPhen-2: "Probably Damaging"; Align-GVGD: "Class C0"). In summary, the available evidence is currently insufficient to determine the role of this variant in disease. Therefore, it has been classified as a Variant of Uncertain Significance.

NM_001365999.1(SZT2):c.9632G>A (p.Arg3211His)

Genes: SZT2 (SZT2 subunit of KICSTOR complex; plus strand), SZT2-AS1 (SZT2 antisense RNA 1; minus strand). Cytogenetic location: 1p34.2.
Variant type: single nucleotide variant.
Coding change: c.9632G>A on transcript NM_001365999.1 (MANE Select); coding-DNA position 9632, G replaced by A.
Protein change: p.Arg3211His; replaces arginine 3211 with histidine.
Molecular consequence: missense variant. On other transcripts: non-coding transcript variant (1).
Genome position (GRCh38, 1-based): chr1:43,448,147, G>A. VCF-style: chr1-43448147-G-A. GRCh37 (hg19) VCF-style: chr1-43913818-G-A.
Other names: c.9461G>A, p.Arg3154His (NM_015284.4); short protein forms R3154H, R3211H.
Identifiers: ClinVar variation 657121 (VCV000657121.11), dbSNP rs374492072, ClinGen allele CA810985.